The following is an entry in ClinVar:

ClinVar aggregate classification (germline): Uncertain significance (1 of 4 stars; one submission).

gnomAD v4.1: 2 of 1,612,266 alleles (0.00012%); highest among the groups gnomAD compares: Non-Finnish European, 0.00017%; no homozygotes.

Submission:

GeneDx
Classification: Uncertain significance. Last evaluated: 2024-10-02. Review status: criteria provided, single submitter. Criteria: GeneDx Variant Classification Process June 2021. Collection method: clinical testing. Allele origin: germline. Affected: yes.
Comment: Not observed at significant frequency in large population cohorts (gnomAD); In silico analysis indicates that this missense variant does not alter protein structure/function; Has not been previously published as pathogenic or benign to our knowledge

NM_006593.4(TBR1):c.976G>A (p.Val326Ile)

Gene: TBR1 (T-box brain transcription factor 1; plus strand). Cytogenetic location: 2q24.2.
Variant type: single nucleotide variant.
Coding change: c.976G>A on transcript NM_006593.4 (MANE Select); coding-DNA position 976, G replaced by A.
Protein change: p.Val326Ile; replaces valine 326 with isoleucine.
Molecular consequence: missense variant.
Genome position (GRCh38, 1-based): chr2:161,418,898, G>A. VCF-style: chr2-161418898-G-A. GRCh37 (hg19) VCF-style: chr2-162275409-G-A.
Other names: short protein forms V326I.
Identifiers: ClinVar variation 3776670 (VCV003776670.1).